The following is an entry in ClinVar:

NM_002303.6(LEPR):c.2393A>G (p.His798Arg)

Gene: LEPR (leptin receptor; plus strand). Cytogenetic location: 1p31.3.
Variant type: single nucleotide variant.
Coding change: c.2393A>G on transcript NM_002303.6 (MANE Select); coding-DNA position 2393, A replaced by G.
Protein change: p.His798Arg; replaces histidine 798 with arginine.
Molecular consequence: missense variant.
Genome position (GRCh38, 1-based): chr1:65,618,144, A>G. VCF-style: chr1-65618144-A-G. GRCh37 (hg19) VCF-style: chr1-66083827-A-G.
Other names: c.2393A>G, p.His798Arg (NM_001003679.3, NM_001003680.3, NM_001198687.2 and 2 more transcripts); short protein forms H798R.
Identifiers: ClinVar variation 4983179 (VCV004983179.1).

ClinVar aggregate classification (germline): Uncertain significance (1 of 4 stars; one submission).

Conditions:
LEPR-related disorder. Also called: LEPR-related condition; LEPR-related disorders.

gnomAD v4.1: 1 of 1,603,856 alleles (0.000062%); highest among the groups gnomAD compares: Non-Finnish European, 0.000085%; no homozygotes.

Submission:

PreventionGenetics, part of Exact Sciences
Classification: Uncertain significance for LEPR-related condition. Last evaluated: 2025-11-13. Review status: criteria provided, single submitter. Criteria: ACMG Guidelines, 2015. Collection method: clinical testing. Allele origin: germline.
Comment: The LEPR c.2393A>G variant is predicted to result in the amino acid substitution p.His798Arg. This variant was observed in a cohort of individuals with obesity, and in vitro functional studies showed function similar to wild-type levels (Supplemental Data Set, Shah et al. 2023. PubMed ID: 36864747). This variant is reported in 0.00089% of alleles in individuals of European (Non-Finnish) descent in gnomAD. At this time, the clinical significance of this variant is uncertain due to the absence of conclusive functional and genetic evidence.